The following is an entry in ClinVar:

NM_021620.4(PRDM13):c.277-10T>G

Gene: PRDM13 (PR/SET domain 13; plus strand). Cytogenetic location: 6q16.2.
Variant type: single nucleotide variant.
Coding change: c.277-10T>G on transcript NM_021620.4 (MANE Select); 10 bases into the intron before coding-DNA position 277, T replaced by G.
Molecular consequence: intron variant.
Genome position (GRCh38, 1-based): chr6:99,609,177, T>G. VCF-style: chr6-99609177-T-G. GRCh37 (hg19) VCF-style: chr6-100057053-T-G.
Identifiers: ClinVar variation 4724821 (VCV004724821.2).

ClinVar aggregate classification (germline): Uncertain significance. Review status: criteria provided, multiple submitters, no conflicts (2 of 4 stars). 2 submissions from 2 submitters: Uncertain significance (2). Last evaluated 2025-08-08.

Submissions (2):

Labcorp Genetics (formerly Invitae), Labcorp
Classification: Uncertain significance. Last evaluated: 2025-08-08. Review status: criteria provided, single submitter. Criteria: Invitae Variant Classification Sherloc (09022015). Collection method: clinical testing. Allele origin: germline.
Comment: This sequence change falls in intron 2 of the PRDM13 gene. It does not directly change the encoded amino acid sequence of the PRDM13 protein. This variant is not present in population databases (gnomAD no frequency). This variant has not been reported in the literature in individuals affected with PRDM13-related conditions. Algorithms developed to predict the effect of sequence changes on RNA splicing suggest that this variant may create or strengthen a splice site. In summary, the available evidence is currently insufficient to determine the role of this variant in disease. Therefore, it has been classified as a Variant of Uncertain Significance.

Blueprint Genetics
Classification: Uncertain significance. Last evaluated: 2021-04-19. Review status: criteria provided, single submitter. Criteria: ACMG Guidelines, 2015. Collection method: clinical testing. Allele origin: germline.